The following is an entry in ClinVar:

NM_012062.5(DNM1L):c.436G>A (p.Asp146Asn)

Gene: DNM1L (dynamin 1 like; plus strand). Cytogenetic location: 12p11.21.
Variant type: single nucleotide variant.
Coding change: c.436G>A on transcript NM_012062.5 (MANE Select); coding-DNA position 436, G replaced by A.
Protein change: p.Asp146Asn; replaces aspartic acid 146 with asparagine.
Molecular consequence: missense variant. On other transcripts: intron variant (1).
Genome position (GRCh38, 1-based): chr12:32,710,995, G>A. VCF-style: chr12-32710995-G-A. GRCh37 (hg19) VCF-style: chr12-32863929-G-A.
Other names: c.436G>A, p.Asp146Asn (NM_001278463.2, NM_005690.5, NM_012063.4); c.475G>A, p.Asp159Asn (NM_001278464.2, NM_001278465.2, NM_001330380.2); c.131+3582G>A (NM_001278466.2); short protein forms D146N, D159N.
Identifiers: ClinVar variation 390683 (VCV000390683.12), dbSNP rs1057523861, ClinGen allele CA16606519.

ClinVar aggregate classification (germline): Pathogenic/Likely pathogenic. Review status: criteria provided, multiple submitters, no conflicts (2 of 4 stars). 3 submissions from 3 submitters: Pathogenic (1); Likely pathogenic (2). Last evaluated 2025-07-24.

Conditions:
DNM1L-related mitochondrial disorders.

Submissions (3):

Rady Children's Institute for Genomic Medicine, Rady Children's Hospital San Diego
Classification: Likely pathogenic for DNM1L-related mitochondrial disorders. Last evaluated: 2025-07-24. Review status: criteria provided, single submitter. Criteria: ACMG Guidelines, 2015. Collection method: clinical testing. Allele origin: germline. Affected: yes.
Comment: The DNM1L gene is constrained against missense variation (Z-score=5.33), and missense variants are a common mechanism of disease (HGMD; 27145208, 30850373). The c.436G>A (p.Asp146Asn) variant affects a highly conserved amino acid and is predicted by multiple in silico tools to have a deleterious effect on protein function. This variant has been previously reported as a de novo change in patients with features consistent with autosomal dominant DNM1L-related mitochondrial disorders (PMID: 31868880, 33528536). Functional studies support that the c.436G>A (p.Asp146Asn) variant has a dominant negative effect resulting in mitochondrial network hyperfusion, reduced mitochondrial turnover, and abnormal peroxisomal shape and function (PMID: 31868880). The c.436G>A (p.Asp146Asn) variant is absent from the latest version of the gnomAD population database and thus is presumed to be rare. Based on parental analysis, this variant likely occurred as a de novo event. Based on the available evidence, c.436G>A (p.Asp146Asn) is classified as Likely Pathogenic.

GeneDx
Classification: Pathogenic. Last evaluated: 2020-06-26. Review status: criteria provided, single submitter. Criteria: GeneDx Variant Classification Process June 2021. Collection method: clinical testing. Allele origin: germline. Affected: yes.
Comment: Published functional studies demonstrate that this variant has a damaging effect by causing mitochondrial network hyperfusion, reduced mitochondrial turnover, and elongated peroxisomes through a dominant negative mechanism (Longo et al., 2020); Not observed in large population cohorts (Lek et al., 2016); This variant is associated with the following publications: (PMID: 31868880)

ARUP Laboratories, Molecular Genetics and Genomics, ARUP Laboratories
Classification: Likely pathogenic. Last evaluated: 2019-05-22. Review status: criteria provided, single submitter. Criteria: ARUP Molecular Germline Variant Investigation Process. Collection method: clinical testing. Allele origin: germline.

Literature cited by the submitters: PubMed 27145208 (cited by Rady Children's Institute for Genomic Medicine, Rady Children's Hospital San Diego); PubMed 30850373 (cited by Rady Children's Institute for Genomic Medicine, Rady Children's Hospital San Diego); PubMed 31868880 (cited by Rady Children's Institute for Genomic Medicine, Rady Children's Hospital San Diego); PubMed 33057194 (cited by Rady Children's Institute for Genomic Medicine, Rady Children's Hospital San Diego); PubMed 33528536 (cited by Rady Children's Institute for Genomic Medicine, Rady Children's Hospital San Diego); PubMed 35982159 (cited by Rady Children's Institute for Genomic Medicine, Rady Children's Hospital San Diego).